The following is an entry in ClinVar:

ClinVar aggregate classification (germline): Pathogenic (1 of 4 stars; one submission).

Allele frequency attached by ClinVar (database versions not stated): gnomAD exomes below 0.00001; TOPMed below 0.00001; gnomAD 0.00001; ESP Exome Variant Server 0.00008.

Submission:

Labcorp Genetics (formerly Invitae), Labcorp
Classification: Pathogenic. Last evaluated: 2023-07-10. Review status: criteria provided, single submitter. Criteria: Invitae Variant Classification Sherloc (09022015). Collection method: clinical testing. Allele origin: germline.
Comment: For these reasons, this variant has been classified as Pathogenic. This variant has not been reported in the literature in individuals affected with NBAS-related conditions. This variant is not present in population databases (gnomAD no frequency). This sequence change creates a premature translational stop signal (p.Val2076Glnfs*45) in the NBAS gene. It is expected to result in an absent or disrupted protein product. Loss-of-function variants in NBAS are known to be pathogenic (PMID: 26073778, 26541327, 27789416, 28031453).

Literature cited by the submitters: PubMed 26073778; PubMed 26541327; PubMed 27789416; PubMed 28031453.

NM_015909.4(NBAS):c.6225_6226insCA (p.Val2076fs)

Gene: NBAS (NBAS subunit of NRZ tethering complex; minus strand). Cytogenetic location: 2p24.3.
Variant type: Insertion.
Coding change: c.6225_6226insCA on transcript NM_015909.4 (MANE Select); coding-DNA positions 6225 to 6226, CA inserted.
Protein change: p.Val2076fs; shifts the reading frame from valine 2076.
Molecular consequence: frameshift variant. On other transcripts: non-coding transcript variant (1).
Genome position: GRCh38 VCF-style: chr2-15232432-C-CTG. GRCh37 (hg19) VCF-style: chr2-15372556-C-CTG.
Other names: short protein forms V2076fs.
Identifiers: ClinVar variation 2801744 (VCV002801744.3), dbSNP rs1487020279, ClinGen allele CA345887263.